The following is an entry in ClinVar:

ClinVar aggregate classification (germline): Pathogenic (1 of 4 stars; one submission).

Conditions:
Neuronal ceroid lipofuscinosis 3 (CLN3). Identifiers: Orphanet 228346, MedGen C0751383, MONDO:0008767, OMIM 204200.

Submission:

Myriad Genetics, Inc.
Classification: Pathogenic for Neuronal ceroid lipofuscinosis 3. Last evaluated: 2023-09-27. Review status: criteria provided, single submitter. Criteria: Myriad Autosomal Dominant, Autosomal Recessive and X-Linked Classification Criteria (2023). Collection method: clinical testing. Allele origin: unknown.
Comment: NM_001042432.1(CLN3):c.310dupG(D104Gfs*56) is expected to be pathogenic in the context of CLN3-related disorders. This variant is predicted to lead to an abnormal or absent protein product due to the creation of a premature termination codon in CLN3, a gene where loss-of-function variants are known to be pathogenic. Please note: this variant was assessed in the context of healthy population screening.

NM_001042432.2(CLN3):c.310dup (p.Asp104fs)

Gene: CLN3 (CLN3 lysosomal/endosomal transmembrane protein, battenin; minus strand). Cytogenetic location: 16p12.1.
Variant type: Duplication.
Coding change: c.310dup on transcript NM_001042432.2 (MANE Select); coding-DNA position 310, one base duplicated (G; older notation c.310dupG).
Protein change: p.Asp104fs; shifts the reading frame from aspartic acid 104.
Molecular consequence: frameshift variant. On other transcripts: intron variant (1).
Genome position (GRCh38, 1-based): chr16:28,487,726, C duplicated on the plus strand (G on the coding strand, the reverse complement: CLN3 is on the minus strand); the first of 2 consecutive C bases (chr16:28,487,726-28,487,727); duplicating either gives the same sequence. VCF-style (leftmost placement, unchanged base first): chr16-28487725-T-TC. GRCh37 (hg19) VCF-style: chr16-28499046-T-TC.
Other names: c.310dup, p.Asp104fs (NM_000086.2); c.238dup, p.Asp80fs (NM_001286104.2); c.76dup, p.Asp26fs (NM_001286109.2); c.148dup, p.Asp50fs (NM_001286110.2); c.75-185dup (NM_001286105.2); short protein forms D104fs, D26fs, D50fs, D80fs.
Identifiers: ClinVar variation 5012258 (VCV005012258.1).